The following is an entry in ClinVar:

ClinVar aggregate classification (germline): Uncertain significance (1 of 4 stars; one submission).

gnomAD v4.1: 15 of 1,603,974 alleles (0.00094%); highest among the groups gnomAD compares: East Asian, 0.0045%; no homozygotes.

Submission:

Mayo Clinic Laboratories, Mayo Clinic
Classification: Uncertain significance. Last evaluated: 2024-05-09. Review status: criteria provided, single submitter. Criteria: ACMG Guidelines, 2015. Collection method: clinical testing. Allele origin: germline. Observed: 2 variant alleles.
Comment: BP4

NM_001009944.3(PKD1):c.10105A>G (p.Ser3369Gly)

Gene: PKD1 (polycystin 1, transient receptor potential channel interacting; minus strand). Cytogenetic location: 16p13.3.
Variant type: single nucleotide variant.
Coding change: c.10105A>G on transcript NM_001009944.3 (MANE Select); coding-DNA position 10105, A replaced by G.
Protein change: p.Ser3369Gly; replaces serine 3369 with glycine.
Molecular consequence: missense variant.
Genome position (GRCh38, 1-based): chr16:2,097,930, T>C on the plus strand (A>G on the coding strand, the complement: PKD1 is on the minus strand). VCF-style: chr16-2097930-T-C. GRCh37 (hg19) VCF-style: chr16-2147931-T-C.
Other names: p.Ser3369Gly; c.10105A>G, p.Ser3369Gly (NM_000296.4); short protein forms S3369G.
Identifiers: ClinVar variation 3380345 (VCV003380345.1).